The following is an entry in ClinVar:

ClinVar aggregate classification (germline): Pathogenic/Likely pathogenic. Review status: criteria provided, multiple submitters, no conflicts (2 of 4 stars). 2 submissions from 2 submitters: Pathogenic (1); Likely pathogenic (1). Last evaluated 2025-12-30.

Conditions:
Cerebellar atrophy with seizures and variable developmental delay. Identifiers: MedGen C5193132, MONDO:0032788, OMIM 618501.
Early-infantile DEE. Also called: Early infantile epileptic encephalopathy with suppression bursts; Early infantile epileptic encephalopathy; Ohtahara syndrome. Identifiers: Orphanet 1934, MedGen C0393706, MONDO:0800491.

Submissions (2):

Labcorp Genetics (formerly Invitae), Labcorp
Classification: Pathogenic for Early-infantile DEE. Last evaluated: 2025-12-30. Review status: criteria provided, single submitter. Criteria: Invitae Variant Classification Sherloc (09022015). Collection method: clinical testing. Allele origin: germline.
Comment: This sequence change creates a premature translational stop signal (p.Gln519*) in the CACNA2D2 gene. It is expected to result in an absent or disrupted protein product. Loss-of-function variants in CACNA2D2 are known to be pathogenic (PMID: 24358150). This variant is not present in population databases (gnomAD no frequency). This variant has not been reported in the literature in individuals affected with CACNA2D2-related conditions. ClinVar contains an entry for this variant (Variation ID: 578284). For these reasons, this variant has been classified as Pathogenic.

Greenwood Genetic Center Diagnostic Laboratories, Greenwood Genetic Center
Classification: Likely pathogenic for Cerebellar atrophy with seizures and variable developmental delay. Last evaluated: 2022-06-27. Review status: criteria provided, single submitter. Criteria: ACMG Guidelines, 2015. Collection method: clinical testing. Allele origin: germline. Affected: yes.
Comment: PVS1 PM2

Literature cited by the submitters: PubMed 24358150 (cited by Labcorp Genetics (formerly Invitae), Labcorp).

NM_006030.4(CACNA2D2):c.1555C>T (p.Gln519Ter)

Gene: CACNA2D2 (calcium voltage-gated channel auxiliary subunit alpha2delta 2; minus strand). Cytogenetic location: 3p21.31.
Variant type: single nucleotide variant.
Coding change: c.1555C>T on transcript NM_006030.4 (MANE Select); coding-DNA position 1555, C replaced by T.
Protein change: p.Gln519Ter; replaces glutamine 519 with a stop codon.
Molecular consequence: nonsense.
Genome position (GRCh38, 1-based): chr3:50,377,538, G>A on the plus strand (C>T on the coding strand, the complement: CACNA2D2 is on the minus strand). VCF-style: chr3-50377538-G-A. GRCh37 (hg19) VCF-style: chr3-50414969-G-A.
Other names: c.1555C>T, p.Gln519Ter (NM_001005505.3, NM_001174051.3); c.1348C>T, p.Gln450Ter (NM_001291101.1); short protein forms Q519*, Q450*.
Identifiers: ClinVar variation 578284 (VCV000578284.11), dbSNP rs1559887808, ClinGen allele CA352927811.